The following is an entry in ClinVar:

ClinVar aggregate classification (germline): Likely benign (1 of 4 stars; one submission).

Submission:

CeGaT Center for Human Genetics Tuebingen
Classification: Likely benign. Last evaluated: 2025-08-01. Review status: criteria provided, single submitter. Criteria: CeGaT Center For Human Genetics Tuebingen Variant Classification Criteria Version 2. Collection method: clinical testing. Allele origin: germline. Affected: yes. Observed: 1 variant allele.
Comment: PROSER1: BP4, BP7, BS2

NM_025138.5(PROSER1):c.1413G>A (p.Ala471=)

Gene: PROSER1 (proline and serine rich 1; minus strand). Cytogenetic location: 13q13.3.
Variant type: single nucleotide variant.
Coding change: c.1413G>A on transcript NM_025138.5 (MANE Select); coding-DNA position 1413, G replaced by A.
Protein change: p.Ala471=; no amino-acid change (alanine 471 retained).
Molecular consequence: synonymous variant.
Genome position (GRCh38, 1-based): chr13:39,013,839, C>T on the plus strand (G>A on the coding strand, the complement: PROSER1 is on the minus strand). VCF-style: chr13-39013839-C-T. GRCh37 (hg19) VCF-style: chr13-39587976-C-T.
Other names: c.1347G>A, p.Ala449= (NM_170719.4).
Identifiers: ClinVar variation 4083571 (VCV004083571.8).